The following is an entry in ClinVar:

NM_003660.4(PPFIA3):c.2745T>G (p.Thr915=)

Gene: PPFIA3 (PPFI scaffold protein A3; plus strand). Cytogenetic location: 19q13.33.
Variant type: single nucleotide variant.
Coding change: c.2745T>G on transcript NM_003660.4 (MANE Select); coding-DNA position 2745, T replaced by G.
Protein change: p.Thr915=; no amino-acid change (threonine 915 retained).
Molecular consequence: synonymous variant. On other transcripts: non-coding transcript variant (1).
Genome position (GRCh38, 1-based): chr19:49,143,004, T>G. VCF-style: chr19-49143004-T-G. GRCh37 (hg19) VCF-style: chr19-49646261-T-G.
Identifiers: ClinVar variation 5041189 (VCV005041189.1).

ClinVar aggregate classification (germline): Likely benign (1 of 4 stars; one submission).

gnomAD v4.1: 161 of 1,602,934 alleles (0.01%); highest among the groups gnomAD compares: Non-Finnish European, 0.013%; no homozygotes.

Submission:

CeGaT Center for Human Genetics Tuebingen
Classification: Likely benign. Last evaluated: 2026-09-01. Review status: criteria provided, single submitter. Criteria: CeGaT Center For Human Genetics Tuebingen Variant Classification Criteria Version 2. Collection method: clinical testing. Allele origin: germline. Affected: yes. Observed: 1 variant allele.
Comment: PPFIA3: BP4, BP7